The following is an entry in ClinVar:

NM_004614.5(TK2):c.694G>A (p.Val232Ile)

Gene: TK2 (thymidine kinase 2; minus strand). Cytogenetic location: 16q21.
Variant type: single nucleotide variant.
Coding change: c.694G>A on transcript NM_004614.5 (MANE Select); coding-DNA position 694, G replaced by A.
Protein change: p.Val232Ile; replaces valine 232 with isoleucine.
Molecular consequence: missense variant. On other transcripts: synonymous variant (1), non-coding transcript variant (1).
Genome position (GRCh38, 1-based): chr16:66,513,736, C>T on the plus strand (G>A on the coding strand, the complement: TK2 is on the minus strand). VCF-style: chr16-66513736-C-T. GRCh37 (hg19) VCF-style: chr16-66547639-C-T.
Other names: c.601G>A, p.Val201Ile (NM_001172643.1); c.619G>A, p.Val207Ile (NM_001172644.2); c.640G>A, p.Val214Ile (NM_001172645.2); c.547G>A, p.Val183Ile (NM_001271934.2); c.432G>A, p.Leu144= (NM_001271935.1); c.403G>A, p.Val135Ile (NM_001272050.2); c.694G>A (NM_004614.4); short protein forms V207I, V183I, V135I, V214I, V201I, V232I.
Identifiers: ClinVar variation 1420246 (VCV001420246.5), dbSNP rs576020835, ClinGen allele CA8093583.

ClinVar aggregate classification (germline): Uncertain significance. Review status: criteria provided, multiple submitters, no conflicts (2 of 4 stars). 2 submissions from 2 submitters: Uncertain significance (2). Last evaluated 2026-10-02.

Submissions (2):

GeneDx
Classification: Uncertain significance. Last evaluated: 2026-10-02. Review status: criteria provided, single submitter. Criteria: GeneDx Variant Classification Process June 2021. Collection method: clinical testing. Allele origin: germline.
Comment: In silico analysis suggests that this missense variant does not alter protein structure/function; Has not been previously published as pathogenic or benign to our knowledge

Labcorp Genetics (formerly Invitae), Labcorp
Classification: Uncertain significance. Last evaluated: 2022-10-13. Review status: criteria provided, single submitter. Criteria: Invitae Variant Classification Sherloc (09022015). Collection method: clinical testing. Allele origin: germline.
Comment: This sequence change replaces valine, which is neutral and non-polar, with isoleucine, which is neutral and non-polar, at codon 232 of the TK2 protein (p.Val232Ile). This variant is present in population databases (rs576020835, gnomAD 0.09%). This variant has not been reported in the literature in individuals affected with TK2-related conditions. ClinVar contains an entry for this variant (Variation ID: 1420246). Advanced modeling of protein sequence and biophysical properties (such as structural, functional, and spatial information, amino acid conservation, physicochemical variation, residue mobility, and thermodynamic stability) performed at Invitae indicates that this missense variant is not expected to disrupt TK2 protein function. In summary, the available evidence is currently insufficient to determine the role of this variant in disease. Therefore, it has been classified as a Variant of Uncertain Significance.